The following is an entry in ClinVar:

NM_004100.5(EYA4):c.1182G>C (p.Lys394Asn)

Gene: EYA4 (EYA transcriptional coactivator and phosphatase 4; plus strand). Cytogenetic location: 6q23.2.
Variant type: single nucleotide variant.
Coding change: c.1182G>C on transcript NM_004100.5 (MANE Select); coding-DNA position 1182, G replaced by C.
Protein change: p.Lys394Asn; replaces lysine 394 with asparagine.
Molecular consequence: missense variant.
Genome position (GRCh38, 1-based): chr6:133,483,106, G>C. VCF-style: chr6-133483106-G-C. GRCh37 (hg19) VCF-style: chr6-133804244-G-C.
Other names: c.1020G>C, p.Lys340Asn (NM_001301012.2); c.1200G>C, p.Lys400Asn (NM_001301013.2); c.1113G>C, p.Lys371Asn (NM_001370458.1, NM_172103.4); c.1038G>C, p.Lys346Asn (NM_001370459.1); c.1182G>C, p.Lys394Asn (NM_172105.4); short protein forms K400N, K346N, K340N, K394N, K371N.
Identifiers: ClinVar variation 5036254 (VCV005036254.1).

ClinVar aggregate classification (germline): Uncertain significance (1 of 4 stars; one submission).

Conditions:
Cardiovascular phenotype. Identifiers: MedGen CN230736.

Submission:

Ambry Genetics
Classification: Uncertain significance for Cardiovascular phenotype. Last evaluated: 2026-08-16. Review status: criteria provided, single submitter. Criteria: Ambry Variant Classification Scheme 2023. Collection method: clinical testing. Allele origin: germline.
Comment: The p.K394N variant (also known as c.1182G>C), located in coding exon 12 of the EYA4 gene, results from a G to C substitution at nucleotide position 1182. The lysine at codon 394 is replaced by asparagine, an amino acid with similar properties. This amino acid position is conserved. In addition, this alteration is predicted to be tolerated by in silico analysis. Based on the available evidence, the clinical significance of this variant remains unclear.

Literature cited by the submitters: PubMed 18752307; PubMed 25482253; PubMed 9800909.